The following is an entry in ClinVar:

ClinVar aggregate classification (germline): Conflicting classifications of pathogenicity. Review status: criteria provided, conflicting classifications (1 of 4 stars). 3 submissions from 3 submitters: Uncertain significance (2); Likely benign (1). Last evaluated 2026-04-28.

Conditions:
Sialic acid storage disease, severe infantile type (ISSD). Also called: INFANTILE SIALIC ACID STORAGE DISORDER; N-ACETYLNEURAMINIC ACID STORAGE DISEASE; NANA STORAGE DISEASE; SIALURIA, INFANTILE FORM; Free sialic acid storage disease, infantile form; Infantile Sialic Acid Storage Disease. Identifiers: Orphanet 309324, Orphanet 834, MedGen C1096902, MONDO:0010027, OMIM 269920.
Salla disease (SD). Also called: Less Severe FSASD (Salla Disease); Sialuria, Finnish type; N-acetylneuraminic acid (NANA) storage disease (NSD); Infantile sialic acid storage disorder (ISSD). Identifiers: Orphanet 309334, Orphanet 834, MedGen C1096903, MONDO:0011449, OMIM 604369.
Inborn genetic diseases. Identifiers: MedGen C0950123, MeSH D030342.

Allele frequency attached by ClinVar (database versions not stated): gnomAD 0.00003 and 0.00004; ExAC 0.00002; gnomAD exomes 0.00008; TOPMed 0.00009.
gnomAD v4.1: 29 of 1,487,050 alleles (0.002%); highest among the groups gnomAD compares: Admixed American, 0.043%; no homozygotes.

Submissions (3):

Ambry Genetics
Classification: Likely benign for Inborn genetic diseases. Last evaluated: 2026-04-28. Review status: criteria provided, single submitter. Criteria: Ambry Variant Classification Scheme 2023. Collection method: clinical testing. Allele origin: germline.

Labcorp Genetics (formerly Invitae), Labcorp
Classification: Uncertain significance for Salla disease. Last evaluated: 2025-10-22. Review status: criteria provided, single submitter. Criteria: Invitae Variant Classification Sherloc (09022015). Collection method: clinical testing. Allele origin: germline.
Comment: This sequence change replaces threonine, which is neutral and polar, with isoleucine, which is neutral and non-polar, at codon 235 of the SLC17A5 protein (p.Thr235Ile). This variant is present in population databases (rs540645365, gnomAD 0.05%). This variant has not been reported in the literature in individuals affected with SLC17A5-related conditions. ClinVar contains an entry for this variant (Variation ID: 1367457). Invitae Evidence Modeling of protein sequence and biophysical properties (such as structural, functional, and spatial information, amino acid conservation, physicochemical variation, residue mobility, and thermodynamic stability) indicates that this missense variant is not expected to disrupt SLC17A5 protein function with a negative predictive value of 95%. In summary, the available evidence is currently insufficient to determine the role of this variant in disease. Therefore, it has been classified as a Variant of Uncertain Significance.

Fulgent Genetics
Classification: Uncertain significance for Sialic acid storage disease, severe infantile type; Salla disease. Last evaluated: 2024-02-27. Review status: criteria provided, single submitter. Criteria: ACMG Guidelines, 2015. Collection method: clinical testing. Allele origin: germline.

NM_012434.5(SLC17A5):c.704C>T (p.Thr235Ile)

Gene: SLC17A5 (solute carrier family 17 member 5; minus strand). Cytogenetic location: 6q13.
Variant type: single nucleotide variant.
Coding change: c.704C>T on transcript NM_012434.5 (MANE Select); coding-DNA position 704, C replaced by T.
Protein change: p.Thr235Ile; replaces threonine 235 with isoleucine.
Molecular consequence: missense variant.
Genome position (GRCh38, 1-based): chr6:73,635,497, G>A on the plus strand (C>T on the coding strand, the complement: SLC17A5 is on the minus strand). VCF-style: chr6-73635497-G-A. GRCh37 (hg19) VCF-style: chr6-74345220-G-A.
Other names: c.473C>T, p.Thr158Ile (NM_001382629.1); c.704C>T, p.Thr235Ile (NM_001382630.1, NM_001382633.1, NM_001382634.1); c.725C>T, p.Thr242Ile (NM_001382631.1); c.617C>T, p.Thr206Ile (NM_001382632.1); c.701C>T, p.Thr234Ile (NM_001382635.1); c.386C>T, p.Thr129Ile (NM_001382636.1); c.704C>T (NM_012434.4); short protein forms T129I, T235I, T242I, T158I, T206I, T234I.
Identifiers: ClinVar variation 1367457 (VCV001367457.7), dbSNP rs540645365, ClinGen allele CA3890450.